The following is an entry in ClinVar:

NM_001048174.2(MUTYH):c.1196G>T (p.Trp399Leu)

Gene: MUTYH (mutY DNA glycosylase; minus strand). Cytogenetic location: 1p34.1.
Variant type: single nucleotide variant.
Coding change: c.1196G>T on transcript NM_001048174.2 (MANE Select); coding-DNA position 1196, G replaced by T.
Protein change: p.Trp399Leu; replaces tryptophan 399 with leucine.
Molecular consequence: missense variant. On other transcripts: non-coding transcript variant (2).
Genome position (GRCh38, 1-based): chr1:45,331,463, C>A on the plus strand (G>T on the coding strand, the complement: MUTYH is on the minus strand). VCF-style: chr1-45331463-C-A. GRCh37 (hg19) VCF-style: chr1-45797135-C-A.
Other names: c.1196G>T, p.Trp399Leu (NM_001048171.2, NM_001048173.2, NM_001293195.2); c.1199G>T, p.Trp400Leu (NM_001048172.2); c.1280G>T, p.Trp427Leu (NM_001128425.2); c.1241G>T, p.Trp414Leu (NM_001293190.2); c.1229G>T, p.Trp410Leu (NM_001293191.2); c.920G>T, p.Trp307Leu (NM_001293192.2, NM_001293196.2); c.851G>T, p.Trp284Leu (NM_001350650.2, NM_001350651.2); c.1271G>T, p.Trp424Leu (NM_012222.3); short protein forms W427L, W284L, W400L, W307L, W399L, W410L, W424L, W414L.
Identifiers: ClinVar variation 230810 (VCV000230810.24), dbSNP rs876658787, ClinGen allele CA10577707.
Genomic context (GRCh38, chr1:45,331,463, plus strand): 5'-TTCCGCTGCTCACTTACCTCCCCAAGGTGCCGGAGGTGCGTGGCTGGGAGGGGCCCAGCC[C>A]AACGCTGTAGTTCCTGCAGCAGGGCCTTGCGCTGAAGCTGCTCTGAGGGCTCCCAGGTCA-3'
Protein context (NP_001041639.1, residues 389-409): RKALLQELQR[Trp399Leu]AGPLPATHLR

ClinVar aggregate classification (germline): Conflicting classifications of pathogenicity. Review status: criteria provided, conflicting classifications (1 of 4 stars). 6 submissions from 6 submitters: Uncertain significance (5); Likely benign (1). Last evaluated 2025-09-25.

Conditions:
Hereditary cancer-predisposing syndrome. Also called: Neoplastic Syndromes, Hereditary; Hereditary neoplastic syndrome; Hereditary Cancer Syndrome; Tumor predisposition. Identifiers: Orphanet 140162, MedGen C0027672, MeSH D009386, MONDO:0015356.
Familial adenomatous polyposis 2. Also called: MUTYH-related attenuated familial adenomatous polyposis; FAP type 2; MUTYH-associated polyposis; MUTYH Polyposis; Adenomas, multiple colorectal; COLORECTAL ADENOMATOUS POLYPOSIS, AUTOSOMAL RECESSIVE. Identifiers: Orphanet 220460, Orphanet 247798, MedGen C3272841, MONDO:0012041, OMIM 608456.
MUTYH-related disorder. Also called: MUTYH-related condition; MUTYH-related disorders.

Allele frequency attached by ClinVar (database versions not stated): gnomAD exomes below 0.00001.
gnomAD v4.1: 2 of 1,614,218 alleles (0.00012%); highest among the groups gnomAD compares: Non-Finnish European, 0.000085%; no homozygotes.

Submissions (6):

Labcorp Genetics (formerly Invitae), Labcorp
Classification: Uncertain significance for Familial adenomatous polyposis 2. Last evaluated: 2025-09-25. Review status: criteria provided, single submitter. Criteria: Invitae Variant Classification Sherloc (09022015). Collection method: clinical testing. Allele origin: germline.
Comment: This sequence change replaces tryptophan, which is neutral and slightly polar, with leucine, which is neutral and non-polar, at codon 427 of the MUTYH protein (p.Trp427Leu). This variant is not present in population databases (gnomAD no frequency). This variant has not been reported in the literature in individuals affected with MUTYH-related conditions. ClinVar contains an entry for this variant (Variation ID: 230810). An algorithm developed to predict the effect of missense changes on protein structure and function (PolyPhen-2) suggests that this variant is likely to be tolerated. In summary, the available evidence is currently insufficient to determine the role of this variant in disease. Therefore, it has been classified as a Variant of Uncertain Significance.

Ambry Genetics
Classification: Likely benign for Hereditary cancer-predisposing syndrome. Last evaluated: 2025-09-09. Review status: criteria provided, single submitter. Criteria: Ambry Variant Classification Scheme 2023. Collection method: clinical testing. Allele origin: germline.

Color Diagnostics, LLC DBA Color Health
Classification: Uncertain significance for Hereditary cancer-predisposing syndrome. Last evaluated: 2023-12-05. Review status: criteria provided, single submitter. Criteria: ACMG Guidelines, 2015. Collection method: clinical testing. Allele origin: germline.
Comment: This missense variant replaces tryptophan with leucine at codon 427 of the MUTYH protein. Computational prediction is inconclusive regarding the impact of this variant on protein structure and function (internally defined REVEL score threshold 0.5 < inconclusive < 0.7, PMID: 27666373). To our knowledge, functional studies have not been reported for this variant. This variant has not been reported in individuals affected with MUTYH-related disorders in the literature. This variant has not been identified in the general population by the Genome Aggregation Database (gnomAD). The available evidence is insufficient to determine the role of this variant in disease conclusively. Therefore, this variant is classified as a Variant of Uncertain Significance.

PreventionGenetics, part of Exact Sciences
Classification: Uncertain significance for MUTYH-related condition. Last evaluated: 2023-10-11. Review status: criteria provided, single submitter. Criteria: ACMG Guidelines, 2015. Collection method: clinical testing. Allele origin: germline.
Comment: The MUTYH c.1280G>T variant is predicted to result in the amino acid substitution p.Trp427Leu. To our knowledge, this variant has not been reported in the literature or in a large population database, indicating this variant is rare. It is interpreted as uncertain significance in ClinVar. At this time, the clinical significance of this variant is uncertain due to the absence of conclusive functional and genetic evidence.

All of Us Research Program, National Institutes of Health
Classification: Uncertain significance for Familial adenomatous polyposis 2. Last evaluated: 2023-05-31. Review status: criteria provided, single submitter. Criteria: ACMG Guidelines, 2015. Collection method: clinical testing. Allele origin: germline. Inheritance: Autosomal recessive inheritance. Observed: 1 variant allele, 1 heterozygote.
Comment: This study involves interpretation of variants in research participants for the purpose of population health screening. Participant phenotype was not available at the time of variant classification. Additional details can be found in publication PMID: 35346344, PMCID: PMC8962531

GeneDx
Classification: Uncertain significance. Last evaluated: 2020-02-06. Review status: criteria provided, single submitter. Criteria: GeneDx Variant Classification Process June 2021. Collection method: clinical testing. Allele origin: germline. Affected: yes.
Comment: Not observed in large population cohorts (Lek 2016); In silico analysis supports that this missense variant has a deleterious effect on protein structure/function; Has not been previously published as germline pathogenic or benign to our knowledge; This variant is associated with the following publications: (PMID: 24075989)